The following is an entry in ClinVar:

ClinVar aggregate classification (germline): Uncertain significance (1 of 4 stars; one submission).

Allele frequency attached by ClinVar (database versions not stated): gnomAD exomes below 0.00001.
gnomAD v4.1: 2 of 1,614,008 alleles (0.00012%); highest among the groups gnomAD compares: Non-Finnish European, 0.000085%; no homozygotes.

Submission:

Ambry Genetics
Classification: Uncertain significance. Last evaluated: 2023-11-05. Review status: criteria provided, single submitter. Criteria: Ambry Variant Classification Scheme 2023. Collection method: clinical testing. Allele origin: germline.
Comment: The p.E489K variant (also known as c.1465G>A), located in coding exon 13 of the BUB1 gene, results from a G to A substitution at nucleotide position 1465. The glutamic acid at codon 489 is replaced by lysine, an amino acid with similar properties. This amino acid position is conserved. In addition, this alteration is predicted to be tolerated by in silico analysis. Since supporting evidence is limited at this time, the clinical significance of this alteration remains unclear.

NM_004336.5(BUB1):c.1465G>A (p.Glu489Lys)

Gene: BUB1 (BUB1 mitotic checkpoint serine/threonine kinase; minus strand). Cytogenetic location: 2q13.
Variant type: single nucleotide variant.
Coding change: c.1465G>A on transcript NM_004336.5 (MANE Select); coding-DNA position 1465, G replaced by A.
Protein change: p.Glu489Lys; replaces glutamic acid 489 with lysine.
Molecular consequence: missense variant.
Genome position (GRCh38, 1-based): chr2:110,658,461, C>T on the plus strand (G>A on the coding strand, the complement: BUB1 is on the minus strand). VCF-style: chr2-110658461-C-T. GRCh37 (hg19) VCF-style: chr2-111416038-C-T.
Other names: c.1405G>A, p.Glu469Lys (NM_001278616.2); c.1465G>A, p.Glu489Lys (NM_001278617.2); short protein forms E469K, E489K.
Identifiers: ClinVar variation 1773242 (VCV001773242.2), dbSNP rs2468009738, ClinGen allele CA348212353.